The following is an entry in ClinVar:

NM_213655.5(WNK1):c.3364C>T (p.Pro1122Ser)

Gene: WNK1 (WNK lysine deficient protein kinase 1; plus strand). Cytogenetic location: 12p13.33.
Variant type: single nucleotide variant.
Coding change: c.3364C>T on transcript NM_213655.5 (MANE Plus Clinical); coding-DNA position 3364, C replaced by T.
Protein change: p.Pro1122Ser; replaces proline 1122 with serine.
Molecular consequence: missense variant. On other transcripts: intron variant (2).
Genome position (GRCh38, 1-based): chr12:868,835, C>T. VCF-style: chr12-868835-C-T. GRCh37 (hg19) VCF-style: chr12-978001-C-T.
Other names: p.Pro1122Ser; c.3109C>T, p.Pro1037Ser (NM_001184985.2); c.2140-2430C>T (NM_018979.4, NM_014823.3); short protein forms P1037S, P1122S.
Identifiers: ClinVar variation 1710790 (VCV001710790.31), dbSNP rs759530304, ClinGen allele CA6382343.

ClinVar aggregate classification (germline): Uncertain significance. Review status: criteria provided, multiple submitters, no conflicts (2 of 4 stars). 5 submissions from 5 submitters: Uncertain significance (5). Last evaluated 2024-05-08.

Conditions:
Inborn genetic diseases. Identifiers: MedGen C0950123, MeSH D030342.
Pseudohypoaldosteronism type 2C (PHA2C). Also called: Pseudohypoaldosteronism Type IIC. Identifiers: Orphanet 757, Orphanet 88940, MedGen C1840391, MONDO:0013778, OMIM 614492.
Neuropathy, hereditary sensory and autonomic, type 2A (HSAN2A). Also called: HSAN IIA; WNK1-Related HSAN2 (HSAN2A); MORVAN DISEASE; NEUROPATHY, CONGENITAL SENSORY; NEUROPATHY, HEREDITARY SENSORY RADICULAR, AUTOSOMAL RECESSIVE; NEUROPATHY, HEREDITARY SENSORY, TYPE IIA. Identifiers: Orphanet 970, MedGen C2752089, MONDO:0024309, OMIM 201300.

Allele frequency attached by ClinVar (database versions not stated): gnomAD 0.00001; ExAC 0.00003; gnomAD exomes 0.00004; TOPMed 0.00004.
gnomAD v4.1: 60 of 1,613,904 alleles (0.0037%); highest among the groups gnomAD compares: Non-Finnish European, 0.0047%; no homozygotes.

Submissions (5):

Labcorp Genetics (formerly Invitae), Labcorp
Classification: Uncertain significance for Neuropathy, hereditary sensory and autonomic, type 2A; Pseudohypoaldosteronism type 2C. Last evaluated: 2024-05-08. Review status: criteria provided, single submitter. Criteria: Invitae Variant Classification Sherloc (09022015). Collection method: clinical testing. Allele origin: germline.
Comment: This sequence change replaces proline, which is neutral and non-polar, with serine, which is neutral and polar, at codon 1122 of the WNK1 protein (p.Pro1122Ser). This variant is present in population databases (rs759530304, gnomAD 0.006%). This variant has not been reported in the literature in individuals affected with WNK1-related conditions. ClinVar contains an entry for this variant (Variation ID: 1710790). Advanced modeling of protein sequence and biophysical properties (such as structural, functional, and spatial information, amino acid conservation, physicochemical variation, residue mobility, and thermodynamic stability) performed at Invitae indicates that this missense variant is not expected to disrupt WNK1 protein function with a negative predictive value of 95%. In summary, the available evidence is currently insufficient to determine the role of this variant in disease. Therefore, it has been classified as a Variant of Uncertain Significance.

Mayo Clinic Laboratories, Mayo Clinic
Classification: Uncertain significance. Last evaluated: 2024-02-20. Review status: criteria provided, single submitter. Criteria: ACMG Guidelines, 2015. Collection method: clinical testing. Allele origin: germline. Observed: 1 variant allele.
Comment: BP4

CeGaT Center for Human Genetics Tuebingen
Classification: Uncertain significance. Last evaluated: 2022-06-01. Review status: criteria provided, single submitter. Criteria: CeGaT Center For Human Genetics Tuebingen Variant Classification Criteria Version 2. Collection method: clinical testing. Allele origin: germline. Affected: yes. Observed: 1 variant allele.
Comment: WNK1: PM2, BP4

GeneDx
Classification: Uncertain significance. Last evaluated: 2022-04-15. Review status: criteria provided, single submitter. Criteria: GeneDx Variant Classification Process June 2021. Collection method: clinical testing. Allele origin: germline. Affected: yes.
Comment: In silico analysis supports that this missense variant has a deleterious effect on protein structure/function; Has not been previously published as pathogenic or benign to our knowledge

Ambry Genetics
Classification: Uncertain significance for Inborn genetic diseases. Last evaluated: 2020-11-09. Review status: criteria provided, single submitter. Criteria: Ambry Variant Classification Scheme 2023. Collection method: clinical testing. Allele origin: germline.
Comment: The p.P1122S variant (also known as c.3364C>T), located in coding exon 10 of the WNK1 gene, results from a C to T substitution at nucleotide position 3364. The proline at codon 1122 is replaced by serine, an amino acid with similar properties. This amino acid position is not well conserved in available vertebrate species, and serine is the reference amino acid in other vertebrate species. In addition, this alteration is predicted to be tolerated by in silico analysis. Since supporting evidence is limited at this time, the clinical significance of this alteration remains unclear.